The following is an entry in ClinVar:

NM_003072.5(SMARCA4):c.761-3T>G

Gene: SMARCA4 (SWI/SNF related BAF chromatin remodeling complex subunit ATPase 4; plus strand). Cytogenetic location: 19p13.2.
Variant type: single nucleotide variant.
Coding change: c.761-3T>G on transcript NM_003072.5 (MANE Select); 3 bases into the intron before coding-DNA position 761, T replaced by G.
Molecular consequence: intron variant.
Genome position (GRCh38, 1-based): chr19:10,986,902, T>G. VCF-style: chr19-10986902-T-G. GRCh37 (hg19) VCF-style: chr19-11097578-T-G.
Other names: c.761-3T>G (NM_001128844.3, NM_001128849.3, NM_001128847.4 and 5 more transcripts).
Identifiers: ClinVar variation 484924 (VCV000484924.9), dbSNP rs1555754119, ClinGen allele CA658656752.

ClinVar aggregate classification (germline): Uncertain significance. Review status: criteria provided, multiple submitters, no conflicts (2 of 4 stars). 2 submissions from 2 submitters: Uncertain significance (2). Last evaluated 2026-02-19.

Conditions:
Hereditary cancer-predisposing syndrome. Also called: Tumor predisposition; Hereditary Cancer Syndrome; Neoplastic Syndromes, Hereditary; Hereditary neoplastic syndrome. Identifiers: Orphanet 140162, MedGen C0027672, MeSH D009386, MONDO:0015356.
Rhabdoid tumor predisposition syndrome 2 (RTPS2). Identifiers: Orphanet 231108, Orphanet 69077, MedGen C2750074, MONDO:0013224, OMIM 613325.

Submissions (2):

Ambry Genetics
Classification: Uncertain significance for Hereditary cancer-predisposing syndrome. Last evaluated: 2026-02-19. Review status: criteria provided, single submitter. Criteria: Ambry Variant Classification Scheme 2023. Collection method: clinical testing. Allele origin: germline.
Comment: The c.761-3T>G intronic variant results from a T to G substitution 3 nucleotides upstream from coding exon 4 in the SMARCA4 gene. This nucleotide position is not well conserved in available vertebrate species. In silico splice site analysis predicts that this alteration may result in the creation or strengthening of a novel splice acceptor site. Based on the available evidence, the clinical significance of this variant remains unclear.

Labcorp Genetics (formerly Invitae), Labcorp
Classification: Uncertain significance for Rhabdoid tumor predisposition syndrome 2. Last evaluated: 2023-11-25. Review status: criteria provided, single submitter. Criteria: Invitae Variant Classification Sherloc (09022015). Collection method: clinical testing. Allele origin: germline.
Comment: This sequence change falls in intron 4 of the SMARCA4 gene. It does not directly change the encoded amino acid sequence of the SMARCA4 protein. It affects a nucleotide within the consensus splice site. This variant is not present in population databases (gnomAD no frequency). This variant has not been reported in the literature in individuals affected with SMARCA4-related conditions. ClinVar contains an entry for this variant (Variation ID: 484924). Variants that disrupt the consensus splice site are a relatively common cause of aberrant splicing (PMID: 17576681, 9536098). Studies have shown that this variant is associated with inconclusive levels of altered splicing (Invitae). In summary, the available evidence is currently insufficient to determine the role of this variant in disease. Therefore, it has been classified as a Variant of Uncertain Significance.

Literature cited by the submitters: PubMed 17576681 (cited by Labcorp Genetics (formerly Invitae), Labcorp); PubMed 9536098 (cited by Labcorp Genetics (formerly Invitae), Labcorp).